The following is an entry in ClinVar:

NM_000038.6(APC):c.5225G>T (p.Arg1742Leu)

Gene: APC (APC regulator of Wnt signaling pathway; plus strand). Cytogenetic location: 5q22.2.
Variant type: single nucleotide variant.
Coding change: c.5225G>T on transcript NM_000038.6 (MANE Select); coding-DNA position 5225, G replaced by T.
Protein change: p.Arg1742Leu; replaces arginine 1742 with leucine.
Molecular consequence: missense variant.
Genome position (GRCh38, 1-based): chr5:112,840,819, G>T. VCF-style: chr5-112840819-G-T. GRCh37 (hg19) VCF-style: chr5-112176516-G-T.
Other names: c.5225G>T, p.Arg1742Leu (NM_001127510.3, NM_001354895.2); c.5171G>T, p.Arg1724Leu (NM_001127511.3); c.5279G>T, p.Arg1760Leu (NM_001354896.2); c.5255G>T, p.Arg1752Leu (NM_001354897.2); c.5150G>T, p.Arg1717Leu (NM_001354898.2); c.5141G>T, p.Arg1714Leu (NM_001354899.2); c.5102G>T, p.Arg1701Leu (NM_001354900.2); c.5048G>T, p.Arg1683Leu (NM_001354901.2); and 5 more; short protein forms R1724L, R1742L, R1641L, R1683L, R1752L, R1760L, R1582L, R1616L.
Identifiers: ClinVar variation 489466 (VCV000489466.15), dbSNP rs199775075, ClinGen allele CA16032754.

ClinVar aggregate classification (germline): Uncertain significance. Review status: criteria provided, multiple submitters, no conflicts (2 of 4 stars). 3 submissions from 3 submitters: Uncertain significance (3). Last evaluated 2026-06-17.

Conditions:
Hereditary cancer-predisposing syndrome. Also called: Neoplastic Syndromes, Hereditary; Hereditary neoplastic syndrome; Hereditary Cancer Syndrome; Tumor predisposition. Identifiers: Orphanet 140162, MedGen C0027672, MeSH D009386, MONDO:0015356.
Familial adenomatous polyposis 1 (FAP1). Also called: POLYPOSIS, ADENOMATOUS INTESTINAL; FAMILIAL ADENOMATOUS POLYPOSIS 1, ATTENUATED. Identifiers: MedGen C2713442, MONDO:0021056, OMIM 175100. Disease mechanism: loss of function.

Submissions (3):

Ambry Genetics
Classification: Uncertain significance for Hereditary cancer-predisposing syndrome. Last evaluated: 2026-06-17. Review status: criteria provided, single submitter. Criteria: Ambry Variant Classification Scheme 2023. Collection method: clinical testing. Allele origin: germline.
Comment: The p.R1742L variant (also known as c.5225G>T), located in coding exon 15 of the APC gene, results from a G to T substitution at nucleotide position 5225. The arginine at codon 1742 is replaced by leucine, an amino acid with dissimilar properties. This amino acid position is highly conserved in available vertebrate species. Missense variants in APC are not a common cause of disease (Spier I et al. Genet Med. 2024 Feb;26(2):100992). Based on the available evidence, the clinical significance of this variant remains unclear.

Labcorp Genetics (formerly Invitae), Labcorp
Classification: Uncertain significance for Familial adenomatous polyposis 1. Last evaluated: 2021-05-20. Review status: criteria provided, single submitter. Criteria: Invitae Variant Classification Sherloc (09022015). Collection method: clinical testing. Allele origin: germline.
Comment: In summary, the available evidence is currently insufficient to determine the role of this variant in disease. Therefore, it has been classified as a Variant of Uncertain Significance. Algorithms developed to predict the effect of missense changes on protein structure and function (SIFT, PolyPhen-2, Align-GVGD) all suggest that this variant is likely to be disruptive, but these predictions have not been confirmed by published functional studies and their clinical significance is uncertain. This variant has not been reported in the literature in individuals with APC-related conditions. ClinVar contains an entry for this variant (Variation ID: 489466). This variant is not present in population databases (ExAC no frequency). This sequence change replaces arginine with leucine at codon 1742 of the APC protein (p.Arg1742Leu). The arginine residue is highly conserved and there is a moderate physicochemical difference between arginine and leucine.

Color Diagnostics, LLC DBA Color Health
Classification: Uncertain significance for Hereditary cancer-predisposing syndrome. Last evaluated: 2019-02-20. Review status: criteria provided, single submitter. Criteria: ACMG Guidelines, 2015. Collection method: clinical testing. Allele origin: germline.